The following is an entry in ClinVar:

NM_003480.4(MFAP5):c.135T>A (p.Asp45Glu)

Gene: MFAP5 (microfibril associated protein 5; minus strand). Cytogenetic location: 12p13.31.
Variant type: single nucleotide variant.
Coding change: c.135T>A on transcript NM_003480.4 (MANE Select); coding-DNA position 135, T replaced by A.
Protein change: p.Asp45Glu; replaces aspartic acid 45 with glutamic acid.
Molecular consequence: missense variant. On other transcripts: non-coding transcript variant (2).
Genome position (GRCh38, 1-based): chr12:8,655,790, A>T on the plus strand (T>A on the coding strand, the complement: MFAP5 is on the minus strand). VCF-style: chr12-8655790-A-T. GRCh37 (hg19) VCF-style: chr12-8808386-A-T.
Other names: c.135T>A, p.Asp45Glu (NM_001297709.2, NM_001297711.2, NM_001297712.2); c.99T>A, p.Asp33Glu (NM_001297710.2); short protein forms D33E, D45E.
Identifiers: ClinVar variation 2002640 (VCV002002640.4), dbSNP rs1273850958, ClinGen allele CA384039475.

ClinVar aggregate classification (germline): Uncertain significance (1 of 4 stars; one submission).

Allele frequency attached by ClinVar (database versions not stated): TOPMed below 0.00001.

Submission:

Labcorp Genetics (formerly Invitae), Labcorp
Classification: Uncertain significance. Last evaluated: 2023-10-22. Review status: criteria provided, single submitter. Criteria: Invitae Variant Classification Sherloc (09022015). Collection method: clinical testing. Allele origin: germline.
Comment: This sequence change replaces aspartic acid, which is acidic and polar, with glutamic acid, which is acidic and polar, at codon 45 of the MFAP5 protein (p.Asp45Glu). This variant is not present in population databases (gnomAD no frequency). This variant has not been reported in the literature in individuals affected with MFAP5-related conditions. ClinVar contains an entry for this variant (Variation ID: 2002640). An algorithm developed to predict the effect of missense changes on protein structure and function (PolyPhen-2) suggests that this variant is likely to be disruptive. In summary, the available evidence is currently insufficient to determine the role of this variant in disease. Therefore, it has been classified as a Variant of Uncertain Significance.